The following is an entry in ClinVar:

NC_000011.9:g.(?_17522588)_(17527506_?)del

Gene: USH1C (USH1 protein network component harmonin; minus strand). Cytogenetic location: 11p15.1.
Variant type: Deletion.
Identifiers: ClinVar variation 2425405 (VCV002425405.3).

ClinVar aggregate classification (germline): Pathogenic (1 of 4 stars; one submission).

Submission:

Labcorp Genetics (formerly Invitae), Labcorp
Classification: Pathogenic. Last evaluated: 2022-09-30. Review status: criteria provided, single submitter. Criteria: Invitae Variant Classification Sherloc (09022015). Collection method: clinical testing. Allele origin: germline.
Comment: This variant is a gross deletion of the genomic region encompassing exon(s) 16-18 of the USH1C gene. This deletion is out-of-frame, and is expected to create a premature termination codon and result in an absent or disrupted protein product. Loss-of-function variants in USH1C are known to be pathogenic (PMID: 10973247, 17407589, 20301442, 21203349). This variant has not been reported in the literature in individuals affected with USH1C-related conditions. For these reasons, this variant has been classified as Pathogenic.

Literature cited by the submitters: PubMed 10973247; PubMed 17407589; PubMed 20301442; PubMed 21203349.